The following is an entry in ClinVar:

ClinVar aggregate classification (germline): Uncertain significance (1 of 4 stars; one submission).

Conditions:
Dilated cardiomyopathy 1G (CMD1G). Identifiers: Orphanet 154, MedGen C1858763, MONDO:0011400, OMIM 604145.
Autosomal recessive limb-girdle muscular dystrophy type 2J (LGMDR10). Also called: MUSCULAR DYSTROPHY, LIMB-GIRDLE, AUTOSOMAL RECESSIVE 10; Limb-girdle muscular dystrophy, type 2J. Identifiers: Orphanet 140922, MedGen C1837342, MONDO:0012127, OMIM 608807.

Allele frequency attached by ClinVar (database versions not stated): TOPMed below 0.00001.

Submission:

Labcorp Genetics (formerly Invitae), Labcorp
Classification: Uncertain significance for Dilated cardiomyopathy 1G; Autosomal recessive limb-girdle muscular dystrophy type 2J. Last evaluated: 2022-05-07. Review status: criteria provided, single submitter. Criteria: Invitae Variant Classification Sherloc (09022015). Collection method: clinical testing. Allele origin: germline.
Comment: This variant is located in the M band of TTN (PMID: 25589632). Variants in this region may be relevant for neuromuscular disorders, but have not been definitively shown to cause cardiomyopathy (PMID: 23975875). In summary, the available evidence is currently insufficient to determine the role of this variant in disease. Therefore, it has been classified as a Variant of Uncertain Significance. Experimental studies and prediction algorithms are not available or were not evaluated, and the functional significance of this variant is currently unknown. This variant has not been reported in the literature in individuals affected with TTN-related conditions. This variant is not present in population databases (gnomAD no frequency). This sequence change replaces serine, which is neutral and polar, with leucine, which is neutral and non-polar, at codon 35418 of the TTN protein (p.Ser35418Leu).

Literature cited by the submitters: PubMed 25589632; PubMed 23975875.

NM_001267550.2(TTN):c.106253C>T (p.Ser35418Leu)

Genes: TTN (titin; minus strand), TTN-AS1 (TTN antisense RNA 1; plus strand). Cytogenetic location: 2q31.2.
Variant type: single nucleotide variant.
Coding change: c.106253C>T on transcript NM_001267550.2 (MANE Select); coding-DNA position 106253, C replaced by T.
Protein change: p.Ser35418Leu; replaces serine 35418 with leucine.
Molecular consequence: missense variant.
Genome position (GRCh38, 1-based): chr2:178,530,362, G>A on the plus strand (C>T on the coding strand, the complement: TTN is on the minus strand). VCF-style: chr2-178530362-G-A. GRCh37 (hg19) VCF-style: chr2-179395089-G-A.
Other names: c.101330C>T, p.Ser33777Leu (NM_001256850.1); c.79058C>T, p.Ser26353Leu (NM_003319.4); c.98549C>T, p.Ser32850Leu (NM_133378.4); c.79433C>T, p.Ser26478Leu (NM_133432.3); c.79634C>T, p.Ser26545Leu (NM_133437.4); short protein forms S26478L, S33777L, S26545L, S35418L, S26353L, S32850L.
Identifiers: ClinVar variation 2130992 (VCV002130992.4), dbSNP rs1688561425, ClinGen allele CA349406404.